The following is an entry in ClinVar:

NM_024409.4(NPPC):c.151AAG[1] (p.Lys52del)

Gene: NPPC (natriuretic peptide C; minus strand). Cytogenetic location: 2q37.1.
Variant type: Microsatellite.
Coding change: c.151AAG[1] on transcript NM_024409.4 (MANE Select); one copy of the 3-base unit AAG starting at c.151; the reference has two copies in a row; one copy, 3 bases deleted.
Protein change: p.Lys52del; deletes lysine 52.
Molecular consequence: inframe deletion.
Genome position (GRCh38, 1-based): chr2:231,925,650-231,925,652, CTT deleted on the plus strand (AAG on the coding strand, the reverse complement: NPPC is on the minus strand); deleting any 3 consecutive bases within chr2:231,925,650-231,925,657 gives the same sequence; the position shown is the placement nearest the transcript's 3' end. VCF-style (leftmost placement, unchanged base first): chr2-231925649-CCTT-C. GRCh37 (hg19) VCF-style: chr2-232790359-CCTT-C.
Other names: short protein forms K52del.
Identifiers: ClinVar variation 2917978 (VCV002917978.3), dbSNP rs1052781535, ClinGen allele CA67489345.

ClinVar aggregate classification (germline): Uncertain significance (1 of 4 stars; one submission).

Submission:

Labcorp Genetics (formerly Invitae), Labcorp
Classification: Uncertain significance. Last evaluated: 2025-09-25. Review status: criteria provided, single submitter. Criteria: Invitae Variant Classification Sherloc (09022015). Collection method: clinical testing. Allele origin: germline.
Comment: This variant, c.154_156del, results in the deletion of 1 amino acid(s) of the NPPC protein (p.Lys52del), but otherwise preserves the integrity of the reading frame. This variant is present in population databases (no rsID available, gnomAD 0.02%). This variant has not been reported in the literature in individuals affected with NPPC-related conditions. Experimental studies and prediction algorithms are not available or were not evaluated, and the functional significance of this variant is currently unknown. In summary, the available evidence is currently insufficient to determine the role of this variant in disease. Therefore, it has been classified as a Variant of Uncertain Significance.